The following is an entry in ClinVar:

ClinVar aggregate classification (germline): Conflicting classifications of pathogenicity. Review status: criteria provided, conflicting classifications (1 of 4 stars). 4 submissions from 4 submitters: Uncertain significance (1); Likely benign (2). 1 of the submissions does not count toward it. Last evaluated 2025-10-11.

Conditions:
RAI1-related disorder. Also called: RAI1-related condition.
Inborn genetic diseases. Identifiers: MedGen C0950123, MeSH D030342.

Allele frequency attached by ClinVar (database versions not stated): TOPMed 0.00002; gnomAD exomes 0.00003; gnomAD 0.00004; ExAC 0.00008.
gnomAD v4.1: 59 of 1,613,960 alleles (0.0037%); highest among the groups gnomAD compares: Middle Eastern, 0.016%; no homozygotes.

Submissions (4):

Labcorp Genetics (formerly Invitae), Labcorp
Classification: Uncertain significance. Last evaluated: 2025-10-11. Review status: criteria provided, single submitter. Criteria: Invitae Variant Classification Sherloc (09022015). Collection method: clinical testing. Allele origin: germline.
Comment: This sequence change replaces arginine, which is basic and polar, with glutamine, which is neutral and polar, at codon 1604 of the RAI1 protein (p.Arg1604Gln). This variant is present in population databases (rs773995975, gnomAD 0.04%), and has an allele count higher than expected for a pathogenic variant. This variant has not been reported in the literature in individuals affected with RAI1-related conditions. ClinVar contains an entry for this variant (Variation ID: 1743289). Invitae Evidence Modeling of protein sequence and biophysical properties (such as structural, functional, and spatial information, amino acid conservation, physicochemical variation, residue mobility, and thermodynamic stability) indicates that this missense variant is not expected to disrupt RAI1 protein function with a negative predictive value of 80%. In summary, the available evidence is currently insufficient to determine the role of this variant in disease. Therefore, it has been classified as a Variant of Uncertain Significance.

Ambry Genetics
Classification: Likely benign for Inborn genetic diseases. Last evaluated: 2025-09-08. Review status: criteria provided, single submitter. Criteria: Ambry Variant Classification Scheme 2023. Collection method: clinical testing. Allele origin: germline.

Blueprint Genetics
Classification: Likely benign. Last evaluated: 2023-08-31. Review status: criteria provided, single submitter. Criteria: ACMG Guidelines, 2015. Collection method: clinical testing. Allele origin: germline.

PreventionGenetics, part of Exact Sciences
Classification: Likely benign for RAI1-related condition. Last evaluated: 2024-05-14. Review status: no assertion criteria provided. Collection method: clinical testing. Allele origin: germline. Not counted in ClinVar's aggregate classification.
Comment: This variant is classified as likely benign based on ACMG/AMP sequence variant interpretation guidelines (Richards et al. 2015 PMID: 25741868, with internal and published modifications).

NM_030665.4(RAI1):c.4811G>A (p.Arg1604Gln)

Gene: RAI1 (retinoic acid induced 1; plus strand). Cytogenetic location: 17p11.2.
Variant type: single nucleotide variant.
Coding change: c.4811G>A on transcript NM_030665.4 (MANE Select); coding-DNA position 4811, G replaced by A.
Protein change: p.Arg1604Gln; replaces arginine 1604 with glutamine.
Molecular consequence: missense variant.
Genome position (GRCh38, 1-based): chr17:17,797,759, G>A. VCF-style: chr17-17797759-G-A. GRCh37 (hg19) VCF-style: chr17-17701073-G-A.
Other names: short protein forms R1604Q.
Identifiers: ClinVar variation 1743289 (VCV001743289.10), dbSNP rs773995975, ClinGen allele CA8419032.